The following is an entry in ClinVar:

NM_199420.4(POLQ):c.5405C>A (p.Thr1802Lys)

Gene: POLQ (DNA polymerase theta; minus strand). Cytogenetic location: 3q13.33.
Variant type: single nucleotide variant.
Coding change: c.5405C>A on transcript NM_199420.4 (MANE Select); coding-DNA position 5405, C replaced by A.
Protein change: p.Thr1802Lys; replaces threonine 1802 with lysine.
Molecular consequence: missense variant.
Genome position (GRCh38, 1-based): chr3:121,487,526, G>T on the plus strand (C>A on the coding strand, the complement: POLQ is on the minus strand). VCF-style: chr3-121487526-G-T. GRCh37 (hg19) VCF-style: chr3-121206373-G-T.
Other names: short protein forms T1802K.
Identifiers: ClinVar variation 1747327 (VCV001747327.2), dbSNP rs2546784770, ClinGen allele CA354090273.

ClinVar aggregate classification (germline): Uncertain significance (1 of 4 stars; one submission).

Submission:

Ambry Genetics
Classification: Uncertain significance. Last evaluated: 2021-12-12. Review status: criteria provided, single submitter. Criteria: Ambry Variant Classification Scheme 2023. Collection method: clinical testing. Allele origin: germline.
Comment: The p.T1802K variant (also known as c.5405C>A), located in coding exon 16 of the POLQ gene, results from a C to A substitution at nucleotide position 5405. The threonine at codon 1802 is replaced by lysine, an amino acid with similar properties. This amino acid position is conserved. In addition, this alteration is predicted to be tolerated by in silico analysis. Since supporting evidence is limited at this time, the clinical significance of this alteration remains unclear.